The following is an entry in ClinVar:

NM_012186.3(FOXE3):c.326G>A (p.Arg109His)

Genes: FOXE3 (forkhead box E3; plus strand), LINC01389 (long independently transcribed non-coding RNA 1389; minus strand). Cytogenetic location: 1p33.
Variant type: single nucleotide variant.
Coding change: c.326G>A on transcript NM_012186.3 (MANE Select); coding-DNA position 326, G replaced by A.
Protein change: p.Arg109His; replaces arginine 109 with histidine.
Molecular consequence: missense variant.
Genome position (GRCh38, 1-based): chr1:47,416,641, G>A. VCF-style: chr1-47416641-G-A. GRCh37 (hg19) VCF-style: chr1-47882313-G-A.
Other names: short protein forms R109H.
Identifiers: ClinVar variation 2936249 (VCV002936249.3), dbSNP rs2521317527, ClinGen allele CA340249573.

ClinVar aggregate classification (germline): Uncertain significance (1 of 4 stars; one submission).

Conditions:
Anterior segment dysgenesis. Also called: Ocular anterior segment dysgenesis. Identifiers: Orphanet 88632, MedGen C1862839, MONDO:0019503, HP:0007700.
Congenital primary aphakia. Also called: Anterior segment dysgenesis 2, multiple subtypes; ANTERIOR SEGMENT DYSGENESIS 2. Identifiers: Orphanet 83461, MedGen C1853230, MONDO:0012456, OMIM 610256.

Submission:

Labcorp Genetics (formerly Invitae), Labcorp
Classification: Uncertain significance for Anterior segment dysgenesis; Congenital primary aphakia. Last evaluated: 2023-05-23. Review status: criteria provided, single submitter. Criteria: Invitae Variant Classification Sherloc (09022015). Collection method: clinical testing. Allele origin: germline.
Comment: This sequence change replaces arginine, which is basic and polar, with histidine, which is basic and polar, at codon 109 of the FOXE3 protein (p.Arg109His). This variant is not present in population databases (gnomAD no frequency). This variant has not been reported in the literature in individuals affected with FOXE3-related conditions. Advanced modeling of protein sequence and biophysical properties (such as structural, functional, and spatial information, amino acid conservation, physicochemical variation, residue mobility, and thermodynamic stability) has been performed at Invitae for this missense variant, however the output from this modeling did not meet the statistical confidence thresholds required to predict the impact of this variant on FOXE3 protein function. In summary, the available evidence is currently insufficient to determine the role of this variant in disease. Therefore, it has been classified as a Variant of Uncertain Significance.